The following is an entry in ClinVar:

ClinVar aggregate classification (germline): Uncertain significance (1 of 4 stars; one submission).

Conditions:
Candidiasis, familial, 9 (CANDF9). Identifiers: Orphanet 1334, MedGen C4225324, MONDO:0014642, OMIM 616445.

Submission:

Labcorp Genetics (formerly Invitae), Labcorp
Classification: Uncertain significance for Candidiasis, familial, 9. Last evaluated: 2024-10-13. Review status: criteria provided, single submitter. Criteria: Invitae Variant Classification Sherloc (09022015). Collection method: clinical testing. Allele origin: germline.
Comment: This sequence change replaces leucine, which is neutral and non-polar, with serine, which is neutral and polar, at codon 483 of the IL17RC protein (p.Leu483Ser). This variant is not present in population databases (gnomAD no frequency). This variant has not been reported in the literature in individuals affected with IL17RC-related conditions. An algorithm developed to predict the effect of missense changes on protein structure and function (PolyPhen-2) suggests that this variant is likely to be disruptive. In summary, the available evidence is currently insufficient to determine the role of this variant in disease. Therefore, it has been classified as a Variant of Uncertain Significance.

NM_153460.4(IL17RC):c.1235T>C (p.Leu412Ser)

Gene: IL17RC (interleukin 17 receptor C; plus strand). Cytogenetic location: 3p25.3.
Variant type: single nucleotide variant.
Coding change: c.1235T>C on transcript NM_153460.4 (MANE Select); coding-DNA position 1235, T replaced by C.
Protein change: p.Leu412Ser; replaces leucine 412 with serine.
Molecular consequence: missense variant. On other transcripts: non-coding transcript variant (1).
Genome position (GRCh38, 1-based): chr3:9,930,106, T>C. VCF-style: chr3-9930106-T-C. GRCh37 (hg19) VCF-style: chr3-9971790-T-C.
Other names: c.1235T>C, p.Leu412Ser (NM_001203263.2); c.1184T>C, p.Leu395Ser (NM_001203264.2); c.1139T>C, p.Leu380Ser (NM_001203265.2, NM_001410711.1); c.1196T>C, p.Leu399Ser (NM_001367278.1); c.1115T>C, p.Leu372Ser (NM_001367279.1); c.1190T>C, p.Leu397Ser (NM_001367280.1, NM_032732.6); c.1448T>C, p.Leu483Ser (NM_153461.4); short protein forms L372S, L380S, L395S, L412S, L483S, L397S, L399S.
Identifiers: ClinVar variation 3722848 (VCV003722848.2).